The following is an entry in ClinVar:

ClinVar aggregate classification (germline): Uncertain significance. Review status: criteria provided, multiple submitters, no conflicts (2 of 4 stars). 2 submissions from 2 submitters: Uncertain significance (2). Last evaluated 2022-04-18.

Conditions:
Familial hemiplegic migraine. Identifiers: MedGen C0338484, MONDO:0000700.

Submissions (2):

Women's Health and Genetics/Laboratory Corporation of America, LabCorp
Classification: Uncertain significance. Last evaluated: 2022-04-18. Review status: criteria provided, single submitter. Criteria: LabCorp Variant Classification Summary - May 2015. Collection method: clinical testing. Allele origin: germline.
Comment: Variant summary: ATP1A2 c.1769A>T (p.Asp590Val) results in a non-conservative amino acid change located in the P-type ATPase, haloacid dehalogenase domain (IPR044492) of the encoded protein sequence. Five of five in-silico tools predict a damaging effect of the variant on protein function. The variant was absent in 251438 control chromosomes. The available data on variant occurrences in the general population are insufficient to allow any conclusion about variant significance. To our knowledge, no occurrence of c.1769A>T in individuals affected with Alternating Hemiplegia Of Childhood 1 and no experimental evidence demonstrating its impact on protein function have been reported. One clinical diagnostic laboratory has submitted clinical-significance assessments for this variant to ClinVar after 2014 without evidence for independent evaluation. One laboratory classified the variant as uncertain significance. Based on the evidence outlined above, the variant was classified as uncertain significance.

Labcorp Genetics (formerly Invitae), Labcorp
Classification: Uncertain significance for Familial hemiplegic migraine. Last evaluated: 2022-02-04. Review status: criteria provided, single submitter. Criteria: Invitae Variant Classification Sherloc (09022015). Collection method: clinical testing. Allele origin: germline.
Comment: In summary, the available evidence is currently insufficient to determine the role of this variant in disease. Therefore, it has been classified as a Variant of Uncertain Significance. Advanced modeling of protein sequence and biophysical properties (such as structural, functional, and spatial information, amino acid conservation, physicochemical variation, residue mobility, and thermodynamic stability) performed at Invitae indicates that this missense variant is expected to disrupt ATP1A2 protein function. This variant has not been reported in the literature in individuals affected with ATP1A2-related conditions. This variant is not present in population databases (gnomAD no frequency). This sequence change replaces aspartic acid, which is acidic and polar, with valine, which is neutral and non-polar, at codon 590 of the ATP1A2 protein (p.Asp590Val).

NM_000702.4(ATP1A2):c.1769A>T (p.Asp590Val)

Gene: ATP1A2 (ATPase Na+/K+ transporting subunit alpha 2; plus strand). Cytogenetic location: 1q23.2.
Variant type: single nucleotide variant.
Coding change: c.1769A>T on transcript NM_000702.4 (MANE Select); coding-DNA position 1769, A replaced by T.
Protein change: p.Asp590Val; replaces aspartic acid 590 with valine.
Molecular consequence: missense variant.
Genome position (GRCh38, 1-based): chr1:160,130,539, A>T. VCF-style: chr1-160130539-A-T. GRCh37 (hg19) VCF-style: chr1-160100329-A-T.
Other names: short protein forms D590V.
Identifiers: ClinVar variation 1461270 (VCV001461270.9), dbSNP rs1570990507, ClinGen allele CA343244393.